The following is an entry in ClinVar:

ClinVar aggregate classification (germline): Uncertain significance. Review status: criteria provided, multiple submitters, no conflicts (2 of 4 stars). 4 submissions from 4 submitters: Uncertain significance (4). Last evaluated 2025-07-13.

Conditions:
Inborn genetic diseases. Identifiers: MedGen C0950123, MeSH D030342.
Hyperkalemic periodic paralysis. Also called: Familial hyperkalemic periodic paralysis; Gamstorp disease. Identifiers: Orphanet 682, MedGen C0238357, MONDO:0008224, OMIM 170500, HP:0007215.

Allele frequency attached by ClinVar (database versions not stated): gnomAD 0.00001; gnomAD exomes 0.00001; TOPMed 0.00001.
gnomAD v4.1: 17 of 1,613,960 alleles (0.0011%); highest among the groups gnomAD compares: Admixed American, 0.0017%; no homozygotes.

Submissions (4):

GeneDx
Classification: Uncertain significance. Last evaluated: 2025-07-13. Review status: criteria provided, single submitter. Criteria: GeneDx Variant Classification Process June 2021. Collection method: clinical testing. Allele origin: germline. Affected: yes.
Comment: Not observed at significant frequency in large population cohorts (gnomAD); In silico analysis suggests that this missense variant does not alter protein structure/function; Has not been previously published as pathogenic or benign to our knowledge

Labcorp Genetics (formerly Invitae), Labcorp
Classification: Uncertain significance for Hyperkalemic periodic paralysis. Last evaluated: 2024-10-08. Review status: criteria provided, single submitter. Criteria: Invitae Variant Classification Sherloc (09022015). Collection method: clinical testing. Allele origin: germline.
Comment: This sequence change replaces isoleucine, which is neutral and non-polar, with valine, which is neutral and non-polar, at codon 1394 of the SCN4A protein (p.Ile1394Val). This variant is present in population databases (no rsID available, gnomAD 0.002%). This variant has not been reported in the literature in individuals affected with SCN4A-related conditions. ClinVar contains an entry for this variant (Variation ID: 1025928). Invitae Evidence Modeling of protein sequence and biophysical properties (such as structural, functional, and spatial information, amino acid conservation, physicochemical variation, residue mobility, and thermodynamic stability) indicates that this missense variant is not expected to disrupt SCN4A protein function with a negative predictive value of 95%. In summary, the available evidence is currently insufficient to determine the role of this variant in disease. Therefore, it has been classified as a Variant of Uncertain Significance.

Revvity Omics, Revvity
Classification: Uncertain significance. Last evaluated: 2024-05-20. Review status: criteria provided, single submitter. Criteria: ACMG Guidelines, 2015. Collection method: clinical testing. Allele origin: germline.

Ambry Genetics
Classification: Uncertain significance for Inborn genetic diseases. Last evaluated: 2022-05-25. Review status: criteria provided, single submitter. Criteria: Ambry Variant Classification Scheme 2023. Collection method: clinical testing. Allele origin: germline.

NM_000334.4(SCN4A):c.4180A>G (p.Ile1394Val)

Genes: SCN4A (sodium voltage-gated channel alpha subunit 4; minus strand), GH-LCR (growth hormone locus control region; plus strand). Cytogenetic location: 17q23.3.
Variant type: single nucleotide variant.
Coding change: c.4180A>G on transcript NM_000334.4 (MANE Select); coding-DNA position 4180, A replaced by G.
Protein change: p.Ile1394Val; replaces isoleucine 1394 with valine.
Molecular consequence: missense variant.
Genome position (GRCh38, 1-based): chr17:63,942,934, T>C on the plus strand (A>G on the coding strand, the complement: SCN4A is on the minus strand). VCF-style: chr17-63942934-T-C. GRCh37 (hg19) VCF-style: chr17-62020294-T-C.
Other names: short protein forms I1394V.
Identifiers: ClinVar variation 1025928 (VCV001025928.12), dbSNP rs981021623, ClinGen allele CA292958193.